The following is an entry in ClinVar:

NM_000256.3(MYBPC3):c.1553T>C (p.Met518Thr)

Gene: MYBPC3 (myosin binding protein C3; minus strand). Cytogenetic location: 11p11.2.
Variant type: single nucleotide variant.
Coding change: c.1553T>C on transcript NM_000256.3 (MANE Select); coding-DNA position 1553, T replaced by C.
Protein change: p.Met518Thr; replaces methionine 518 with threonine.
Molecular consequence: missense variant.
Genome position (GRCh38, 1-based): chr11:47,342,649, A>G on the plus strand (T>C on the coding strand, the complement: MYBPC3 is on the minus strand). VCF-style: chr11-47342649-A-G. GRCh37 (hg19) VCF-style: chr11-47364200-A-G.
Other names: c.1553T>C, p.Met518Thr (LRG_386t1); short protein forms M518T.
Identifiers: ClinVar variation 304956 (VCV000304956.8), dbSNP rs886048378, ClinGen allele CA10638733.

ClinVar aggregate classification (germline): Conflicting classifications of pathogenicity. Review status: criteria provided, conflicting classifications (1 of 4 stars). 2 submissions from 2 submitters: Uncertain significance (1); Likely benign (1). Last evaluated 2025-11-02.

Conditions:
Hypertrophic cardiomyopathy. Also called: HYPERTROPHIC MYOCARDIOPATHY. Identifiers: Orphanet 217569, MedGen C0007194, MeSH D002312, MONDO:0005045, HP:0001639.
Cardiovascular phenotype. Identifiers: MedGen CN230736.

Allele frequency attached by ClinVar (database versions not stated): gnomAD exomes below 0.00001; TOPMed 0.00002; gnomAD 0.00005 and 0.00006.
gnomAD v4.1: 10 of 1,613,854 alleles (0.00062%); highest among the groups gnomAD compares: Admixed American, 0.015%; no homozygotes.

Submissions (2):

Ambry Genetics
Classification: Likely benign for Cardiovascular phenotype. Last evaluated: 2025-11-02. Review status: criteria provided, single submitter. Criteria: Ambry Variant Classification Scheme 2023. Collection method: clinical testing. Allele origin: germline.

Labcorp Genetics (formerly Invitae), Labcorp
Classification: Uncertain significance for Hypertrophic cardiomyopathy. Last evaluated: 2022-01-24. Review status: criteria provided, single submitter. Criteria: Invitae Variant Classification Sherloc (09022015). Collection method: clinical testing. Allele origin: germline.
Comment: This sequence change replaces methionine, which is neutral and non-polar, with threonine, which is neutral and polar, at codon 518 of the MYBPC3 protein (p.Met518Thr). This variant is present in population databases (no rsID available, gnomAD 0.003%). This variant has not been reported in the literature in individuals affected with MYBPC3-related conditions. ClinVar contains an entry for this variant (Variation ID: 304956). Algorithms developed to predict the effect of missense changes on protein structure and function output the following: SIFT: "Tolerated"; PolyPhen-2: "Benign"; Align-GVGD: "Class C0". The threonine amino acid residue is found in multiple mammalian species, which suggests that this missense change does not adversely affect protein function. In summary, the available evidence is currently insufficient to determine the role of this variant in disease. Therefore, it has been classified as a Variant of Uncertain Significance.